The following is an entry in ClinVar:

ClinVar aggregate classification (germline): Uncertain significance (1 of 4 stars; one submission).

Submission:

GeneDx
Classification: Uncertain significance. Last evaluated: 2024-04-10. Review status: criteria provided, single submitter. Criteria: GeneDx Variant Classification Process June 2021. Collection method: clinical testing. Allele origin: germline. Affected: yes.
Comment: Not observed at significant frequency in large population cohorts (gnomAD); In silico analysis supports that this missense variant has a deleterious effect on protein structure/function; Has not been previously published as pathogenic or benign to our knowledge

NM_020791.4(TAOK1):c.2507A>G (p.Gln836Arg)

Gene: TAOK1 (TAO kinase 1; plus strand). Cytogenetic location: 17q11.2.
Variant type: single nucleotide variant.
Coding change: c.2507A>G on transcript NM_020791.4 (MANE Select); coding-DNA position 2507, A replaced by G.
Protein change: p.Gln836Arg; replaces glutamine 836 with arginine.
Molecular consequence: missense variant.
Genome position (GRCh38, 1-based): chr17:29,534,263, A>G. VCF-style: chr17-29534263-A-G. GRCh37 (hg19) VCF-style: chr17-27861281-A-G.
Other names: c.2063A>G, p.Gln688Arg (NM_025142.1); short protein forms Q688R, Q836R.
Identifiers: ClinVar variation 3372050 (VCV003372050.1).
Genomic context (GRCh38, chr17:29,534,263, plus strand): 5'-AGAGCAAAATCAAGATGCAAGCTGAGGCACAACATGATCGAGAGCTTCGCGAGCTTGAAC[A>G]GAGGGTCTCCCTCCGGAGGGCACTCTTAGAACAAAAGGTATAAGTAATAGAAGGAAAAAT-3'
Protein context (NP_065842.1, residues 826-846): QHDRELRELE[Gln836Arg]RVSLRRALLE